The following is an entry in ClinVar:

ClinVar aggregate classification (germline): Uncertain significance (1 of 4 stars; one submission).

Conditions:
Distal myopathy with posterior leg and anterior hand involvement. Also called: WILLIAMS DISTAL MYOPATHY. Identifiers: Orphanet 63273, MedGen C3279722, MONDO:0013550, OMIM 614065.
Hypertrophic cardiomyopathy 26. Also called: Cardiomyopathy, familial hypertrophic, 26. Identifiers: Orphanet 75249, MedGen C4310749, MONDO:0014883, OMIM 617047.
Myofibrillar myopathy 5. Also called: Filaminopathy (type); FILAMINOPATHY, AUTOSOMAL DOMINANT. Identifiers: Orphanet 171445, MedGen C1836050, MONDO:0012289, OMIM 609524.

Submission:

Labcorp Genetics (formerly Invitae), Labcorp
Classification: Uncertain significance for Distal myopathy with posterior leg and anterior hand involvement; Myofibrillar myopathy 5; Hypertrophic cardiomyopathy 26. Last evaluated: 2024-03-13. Review status: criteria provided, single submitter. Criteria: Invitae Variant Classification Sherloc (09022015). Collection method: clinical testing. Allele origin: germline.
Comment: This sequence change replaces glycine, which is neutral and non-polar, with aspartic acid, which is acidic and polar, at codon 2578 of the FLNC protein (p.Gly2578Asp). This variant is not present in population databases (gnomAD no frequency). This variant has not been reported in the literature in individuals affected with FLNC-related conditions. Advanced modeling of protein sequence and biophysical properties (such as structural, functional, and spatial information, amino acid conservation, physicochemical variation, residue mobility, and thermodynamic stability) has been performed at Invitae for this missense variant, however the output from this modeling did not meet the statistical confidence thresholds required to predict the impact of this variant on FLNC protein function. In summary, the available evidence is currently insufficient to determine the role of this variant in disease. Therefore, it has been classified as a Variant of Uncertain Significance.

NM_001458.5(FLNC):c.7733G>A (p.Gly2578Asp)

Genes: FLNC-AS1 (FLNC antisense RNA 1; minus strand), FLNC (filamin C; plus strand). Cytogenetic location: 7q32.1.
Variant type: single nucleotide variant.
Coding change: c.7733G>A on transcript NM_001458.5 (MANE Select); coding-DNA position 7733, G replaced by A.
Protein change: p.Gly2578Asp; replaces glycine 2578 with aspartic acid.
Molecular consequence: missense variant.
Genome position (GRCh38, 1-based): chr7:128,857,289, G>A. VCF-style: chr7-128857289-G-A. GRCh37 (hg19) VCF-style: chr7-128497343-G-A.
Other names: c.7634G>A, p.Gly2545Asp (NM_001127487.2); short protein forms G2545D, G2578D.
Identifiers: ClinVar variation 3755255 (VCV003755255.2).